The following is an entry in ClinVar:

NM_004036.5(ADCY3):c.1702C>T (p.Arg568Cys)

Gene: ADCY3 (adenylate cyclase 3; minus strand). Cytogenetic location: 2p23.3.
Variant type: single nucleotide variant.
Coding change: c.1702C>T on transcript NM_004036.5 (MANE Select); coding-DNA position 1702, C replaced by T.
Protein change: p.Arg568Cys; replaces arginine 568 with cysteine.
Molecular consequence: missense variant.
Genome position (GRCh38, 1-based): chr2:24,834,897, G>A on the plus strand (C>T on the coding strand, the complement: ADCY3 is on the minus strand). VCF-style: chr2-24834897-G-A. GRCh37 (hg19) VCF-style: chr2-25057766-G-A.
Other names: c.1702C>T, p.Arg568Cys (NM_001320613.2, NM_001377129.1, NM_001377130.1 and 1 more transcripts); c.1768C>T, p.Arg590Cys (NM_001377128.1); c.979C>T, p.Arg327Cys (NM_001377131.1); short protein forms R327C, R568C, R590C.
Identifiers: ClinVar variation 3354111 (VCV003354111.1).

ClinVar aggregate classification (germline): Uncertain significance (0 of 4 stars; one submission).

Conditions:
ADCY3-related disorder. Also called: ADCY3-related condition.

gnomAD v4.1: 12 of 1,613,746 alleles (0.00074%); highest among the groups gnomAD compares: East Asian, 0.0022%; no homozygotes.

Submission:

PreventionGenetics, part of Exact Sciences
Classification: Uncertain significance for ADCY3-related condition. Last evaluated: 2024-04-17. Review status: no assertion criteria provided. Collection method: clinical testing. Allele origin: germline.
Comment: The ADCY3 c.1702C>T variant is predicted to result in the amino acid substitution p.Arg568Cys. To our knowledge, this variant has not been reported in the literature. This variant is reported in 0.0027% of alleles in individuals of European (Non-Finnish) descent in gnomAD. At this time, the clinical significance of this variant is uncertain due to the absence of conclusive functional and genetic evidence.